The following is an entry in ClinVar:

NM_004260.4(RECQL4):c.3219C>G (p.Thr1073=)

Gene: RECQL4 (RecQ like helicase 4; minus strand). Cytogenetic location: 8q24.3.
Variant type: single nucleotide variant.
Coding change: c.3219C>G on transcript NM_004260.4 (MANE Select); coding-DNA position 3219, C replaced by G.
Protein change: p.Thr1073=; no amino-acid change (threonine 1073 retained).
Molecular consequence: synonymous variant.
Genome position (GRCh38, 1-based): chr8:144,512,161, G>C on the plus strand (C>G on the coding strand, the complement: RECQL4 is on the minus strand). VCF-style: chr8-144512161-G-C. GRCh37 (hg19) VCF-style: chr8-145737544-G-C.
Identifiers: ClinVar variation 698252 (VCV000698252.13), dbSNP rs769367312, ClinGen allele CA4947880.

ClinVar aggregate classification (germline): Likely benign. Review status: criteria provided, multiple submitters, no conflicts (2 of 4 stars). 3 submissions from 3 submitters: Likely benign (2). 1 of the submissions does not count toward it. Last evaluated 2025-12-15.

Conditions:
Baller-Gerold syndrome (BGS). Also called: CRANIOSYNOSTOSIS WITH RADIAL DEFECTS. Identifiers: Orphanet 1225, MedGen C0265308, MONDO:0009039, OMIM 218600.
RECQL4-related disorder. Also called: RECQL4-related condition; RECQL4-related disorders.
Hereditary cancer-predisposing syndrome. Also called: Hereditary Cancer Syndrome; Tumor predisposition; Hereditary neoplastic syndrome; Neoplastic Syndromes, Hereditary. Identifiers: Orphanet 140162, MedGen C0027672, MeSH D009386, MONDO:0015356.

Allele frequency attached by ClinVar (database versions not stated): TOPMed 0.00003; ExAC 0.00005; gnomAD 0.00006.
gnomAD v4.1: 106 of 1,609,684 alleles (0.0066%); highest among the groups gnomAD compares: Non-Finnish European, 0.0087%; no homozygotes.

Submissions (3):

Labcorp Genetics (formerly Invitae), Labcorp
Classification: Likely benign for Baller-Gerold syndrome. Last evaluated: 2025-12-15. Review status: criteria provided, single submitter. Criteria: Invitae Variant Classification Sherloc (09022015). Collection method: clinical testing. Allele origin: germline.

Sema4
Classification: Likely benign for Hereditary cancer-predisposing syndrome. Last evaluated: 2021-01-10. Review status: criteria provided, single submitter. Criteria: Sema4 Curation Guidelines. Collection method: curation. Allele origin: germline.

PreventionGenetics, part of Exact Sciences
Classification: Likely benign for RECQL4-related condition. Last evaluated: 2023-06-20. Review status: no assertion criteria provided. Collection method: clinical testing. Allele origin: germline. Not counted in ClinVar's aggregate classification.
Comment: This variant is classified as likely benign based on ACMG/AMP sequence variant interpretation guidelines (Richards et al. 2015 PMID: 25741868, with internal and published modifications).